The following is an entry in ClinVar:

ClinVar aggregate classification (germline): Likely pathogenic (1 of 4 stars; one submission).

Conditions:
Autosomal recessive nonsyndromic hearing loss 86 (DFNB86). Also called: TBC1D24-Related Autosomal Recessive Nonsyndromic Hearing Loss (DFNB); Deafness , autosomal recessive 86. Identifiers: Orphanet 90636, MedGen C2829265, MONDO:0013826, OMIM 614617.

Submission:

Institute of Rare Diseases, West China Hospital, Sichuan University
Classification: Likely pathogenic for Autosomal recessive nonsyndromic hearing loss 86. Last evaluated: 2025-01-09. Review status: criteria provided, single submitter. Criteria: ClinGen HL ACMG Specifications v1. Collection method: research. Allele origin: germline. Affected: yes.
Comment: PVS1;PM2_Supporting

NM_001199107.2(TBC1D24):c.1207-1G>C

Gene: TBC1D24 (TBC1 domain family member 24; plus strand). Cytogenetic location: 16p13.3.
Variant type: single nucleotide variant.
Coding change: c.1207-1G>C on transcript NM_001199107.2 (MANE Select); the canonical splice acceptor site of the intron before coding-DNA position 1207, G replaced by C.
Molecular consequence: splice acceptor variant.
Genome position (GRCh38, 1-based): chr16:2,499,834, G>C. VCF-style: chr16-2499834-G-C. GRCh37 (hg19) VCF-style: chr16-2549835-G-C.
Other names: c.1189-1G>C (NM_020705.3).
Identifiers: ClinVar variation 3601864 (VCV003601864.1).